The following is an entry in ClinVar:

ClinVar aggregate classification (germline): Uncertain significance (1 of 4 stars; one submission).

Submission:

Ambry Genetics
Classification: Uncertain significance. Last evaluated: 2022-09-15. Review status: criteria provided, single submitter. Criteria: Ambry Variant Classification Scheme 2023. Collection method: clinical testing. Allele origin: germline.
Comment: The p.P1750Q variant (also known as c.5249C>A), located in coding exon 45 of the KIF1B gene, results from a C to A substitution at nucleotide position 5249. The proline at codon 1750 is replaced by glutamine, an amino acid with similar properties. This amino acid position is conserved. In addition, this alteration is predicted to be deleterious by in silico analysis. Since supporting evidence is limited at this time, the clinical significance of this alteration remains unclear.

NM_001365951.3(KIF1B):c.5387C>A (p.Pro1796Gln)

Gene: KIF1B (kinesin family member 1B; plus strand). Cytogenetic location: 1p36.22.
Variant type: single nucleotide variant.
Coding change: c.5387C>A on transcript NM_001365951.3 (MANE Select); coding-DNA position 5387, C replaced by A.
Protein change: p.Pro1796Gln; replaces proline 1796 with glutamine.
Molecular consequence: missense variant.
Genome position (GRCh38, 1-based): chr1:10,375,352, C>A. VCF-style: chr1-10375352-C-A. GRCh37 (hg19) VCF-style: chr1-10435410-C-A.
Other names: c.5387C>A, p.Pro1796Gln (NM_001365952.1); c.5249C>A, p.Pro1750Gln (NM_015074.3); short protein forms P1796Q, P1750Q.
Identifiers: ClinVar variation 1746328 (VCV001746328.2), dbSNP rs777558704, ClinGen allele CA338332018.